The following is an entry in ClinVar:

NM_014946.4(SPAST):c.1536+2T>C

Gene: SPAST (spastin; plus strand). Cytogenetic location: 2p22.3.
Variant type: single nucleotide variant.
Coding change: c.1536+2T>C on transcript NM_014946.4 (MANE Select); the canonical splice donor site of the intron after coding-DNA position 1536, T replaced by C.
Molecular consequence: splice donor variant.
Genome position (GRCh38, 1-based): chr2:32,141,948, T>C. VCF-style: chr2-32141948-T-C. GRCh37 (hg19) VCF-style: chr2-32367017-T-C.
Other names: c.1440+2T>C (NM_199436.2, NM_001377959.1); c.1533+2T>C (NM_001363823.2); c.1437+2T>C (NM_001363875.2).
Identifiers: ClinVar variation 1807002 (VCV001807002.5), dbSNP rs1553319096, ClinGen allele CA346503036.

ClinVar aggregate classification (germline): Pathogenic. Review status: criteria provided, multiple submitters, no conflicts (2 of 4 stars). 3 submissions from 3 submitters: Pathogenic (3). Last evaluated 2025-08-26.

Conditions:
Hereditary spastic paraplegia 4. Also called: Spastic Paraplegia 4; Spastic paraplegia 4, autosomal dominant; Familial spastic paraplegia autosomal dominant 2. Identifiers: Orphanet 100985, MedGen C1866855, MONDO:0008438, OMIM 182601.

Submissions (3):

Mayo Clinic Laboratories, Mayo Clinic
Classification: Pathogenic. Last evaluated: 2025-08-26. Review status: criteria provided, single submitter. Criteria: ACMG Guidelines, 2015. Collection method: clinical testing. Allele origin: germline. Observed: 1 variant allele.
Comment: PP1, PM2_supporting, PVS1

Labcorp Genetics (formerly Invitae), Labcorp
Classification: Pathogenic for Hereditary spastic paraplegia 4. Last evaluated: 2024-06-11. Review status: criteria provided, single submitter. Criteria: Invitae Variant Classification Sherloc (09022015). Collection method: clinical testing. Allele origin: germline.
Comment: This sequence change affects a donor splice site in intron 13 of the SPAST gene. It is expected to disrupt RNA splicing. Variants that disrupt the donor or acceptor splice site typically lead to a loss of protein function (PMID: 16199547), and loss-of-function variants in SPAST are known to be pathogenic (PMID: 20932283). This variant is not present in population databases (gnomAD no frequency). Disruption of this splice site has been observed in individuals with hereditary spastic paraplegia (PMID: 12124993, 22552817). ClinVar contains an entry for this variant (Variation ID: 1807002). Algorithms developed to predict the effect of sequence changes on RNA splicing suggest that this variant may disrupt the consensus splice site. For these reasons, this variant has been classified as Pathogenic.

Athena Diagnostics
Classification: Pathogenic. Last evaluated: 2021-07-23. Review status: criteria provided, single submitter. Criteria: Athena Diagnostics Criteria. Collection method: clinical testing. Allele origin: unknown.
Comment: This variant is expected to severely impact normal RNA splicing, and consequently, protein structure and/or function. In some published literature, this variant is referred to as 1661+2T>C. This variant has not been reported in large, multi-ethnic general populations. This variant has been identified in at least one individual with clinical features associated with this gene.

Literature cited by the submitters: PubMed 11015453 (cited by Mayo Clinic Laboratories, Mayo Clinic and Athena Diagnostics); PubMed 12124993 (cited by 3 submitters); PubMed 22552817 (cited by 3 submitters); PubMed 16199547 (cited by Labcorp Genetics (formerly Invitae), Labcorp); PubMed 20932283 (cited by Labcorp Genetics (formerly Invitae), Labcorp).